The following is an entry in ClinVar:

ClinVar aggregate classification (germline): Uncertain significance (1 of 4 stars; one submission).

Allele frequency attached by ClinVar (database versions not stated): gnomAD exomes below 0.00001.
gnomAD v4.1: 1 of 1,614,228 alleles (0.000062%); highest among the groups gnomAD compares: Non-Finnish European, 0.000085%; no homozygotes.

Submission:

Labcorp Genetics (formerly Invitae), Labcorp
Classification: Uncertain significance. Last evaluated: 2025-03-17. Review status: criteria provided, single submitter. Criteria: Invitae Variant Classification Sherloc (09022015). Collection method: clinical testing. Allele origin: germline.
Comment: This sequence change replaces proline, which is neutral and non-polar, with arginine, which is basic and polar, at codon 2146 of the CEP250 protein (p.Pro2146Arg). This variant is not present in population databases (gnomAD no frequency). This variant has not been reported in the literature in individuals affected with CEP250-related conditions. ClinVar contains an entry for this variant (Variation ID: 1015921). An algorithm developed to predict the effect of missense changes on protein structure and function (PolyPhen-2) suggests that this variant is likely to be disruptive. In summary, the available evidence is currently insufficient to determine the role of this variant in disease. Therefore, it has been classified as a Variant of Uncertain Significance.

NM_007186.6(CEP250):c.6437C>G (p.Pro2146Arg)

Gene: CEP250 (centrosomal protein 250; plus strand). Cytogenetic location: 20q11.22.
Variant type: single nucleotide variant.
Coding change: c.6437C>G on transcript NM_007186.6 (MANE Select); coding-DNA position 6437, C replaced by G.
Protein change: p.Pro2146Arg; replaces proline 2146 with arginine.
Molecular consequence: missense variant.
Genome position (GRCh38, 1-based): chr20:35,504,806, C>G. VCF-style: chr20-35504806-C-G. GRCh37 (hg19) VCF-style: chr20-34092634-C-G.
Other names: c.4541C>G, p.Pro1514Arg (NM_001318219.1); short protein forms P1514R, P2146R.
Identifiers: ClinVar variation 1015921 (VCV001015921.8), dbSNP rs137874746, ClinGen allele CA408757208.